The following is an entry in ClinVar:

ClinVar aggregate classification (germline): Uncertain significance. Review status: criteria provided, multiple submitters, no conflicts (2 of 4 stars). 2 submissions from 2 submitters: Uncertain significance (2). Last evaluated 2025-07-15.

Conditions:
Inborn genetic diseases. Identifiers: MedGen C0950123, MeSH D030342.

Allele frequency attached by ClinVar (database versions not stated): TOPMed below 0.00001.

Submissions (2):

Ambry Genetics
Classification: Uncertain significance for Inborn genetic diseases. Last evaluated: 2025-07-15. Review status: criteria provided, single submitter. Criteria: Ambry Variant Classification Scheme 2023. Collection method: clinical testing. Allele origin: germline.
Comment: The p.D812G variant (also known as c.2435A>G), located in coding exon 8 of the MECOM gene, results from an A to G substitution at nucleotide position 2435. The aspartic acid at codon 812 is replaced by glycine, an amino acid with similar properties. This amino acid position is conserved. In addition, this alteration is predicted to be tolerated by in silico analysis. Based on the available evidence, the clinical significance of this variant remains unclear.

Labcorp Genetics (formerly Invitae), Labcorp
Classification: Uncertain significance. Last evaluated: 2023-09-29. Review status: criteria provided, single submitter. Criteria: Invitae Variant Classification Sherloc (09022015). Collection method: clinical testing. Allele origin: germline.
Comment: This sequence change replaces aspartic acid, which is acidic and polar, with glycine, which is neutral and non-polar, at codon 624 of the MECOM protein (p.Asp624Gly). This variant is not present in population databases (gnomAD no frequency). This variant has not been reported in the literature in individuals affected with MECOM-related conditions. An algorithm developed to predict the effect of missense changes on protein structure and function (PolyPhen-2) suggests that this variant is likely to be tolerated. In summary, the available evidence is currently insufficient to determine the role of this variant in disease. Therefore, it has been classified as a Variant of Uncertain Significance.

NM_004991.4(MECOM):c.2435A>G (p.Asp812Gly)

Gene: MECOM (MDS1 and EVI1 complex locus; minus strand). Cytogenetic location: 3q26.2.
Variant type: single nucleotide variant.
Coding change: c.2435A>G on transcript NM_004991.4 (MANE Select); coding-DNA position 2435, A replaced by G.
Protein change: p.Asp812Gly; replaces aspartic acid 812 with glycine.
Molecular consequence: missense variant.
Genome position (GRCh38, 1-based): chr3:169,115,437, T>C on the plus strand (A>G on the coding strand, the complement: MECOM is on the minus strand). VCF-style: chr3-169115437-T-C. GRCh37 (hg19) VCF-style: chr3-168833225-T-C.
Other names: c.2435A>G (NM_004991.3); c.2066A>G, p.Asp689Gly (NM_001105077.4); c.1871A>G, p.Asp624Gly (NM_001105078.4, NM_001164000.2, NM_001205194.2 and 4 more transcripts); c.1874A>G, p.Asp625Gly (NM_001163999.2, NM_001366467.2, NM_001366468.2 and 1 more transcripts); c.2435A>G, p.Asp812Gly (NM_001366466.2); c.1463A>G, p.Asp488Gly (NM_001366473.2); c.899A>G, p.Asp300Gly (NM_001366474.2); short protein forms D624G, D625G, D812G, D300G, D488G, D689G.
Identifiers: ClinVar variation 2794466 (VCV002794466.4), dbSNP rs1448742189, ClinGen allele CA355084335.